The following is an entry in ClinVar:

NM_002241.5(KCNJ10):c.953C>T (p.Ser318Leu)

Gene: KCNJ10 (potassium inwardly rectifying channel subfamily J member 10; minus strand). Cytogenetic location: 1q23.2.
Variant type: single nucleotide variant.
Coding change: c.953C>T on transcript NM_002241.5 (MANE Select); coding-DNA position 953, C replaced by T.
Protein change: p.Ser318Leu; replaces serine 318 with leucine.
Molecular consequence: missense variant.
Genome position (GRCh38, 1-based): chr1:160,041,580, G>A on the plus strand (C>T on the coding strand, the complement: KCNJ10 is on the minus strand). VCF-style: chr1-160041580-G-A. GRCh37 (hg19) VCF-style: chr1-160011370-G-A.
Other names: short protein forms S318L.
Identifiers: ClinVar variation 1767307 (VCV001767307.3), dbSNP rs2525429338, ClinGen allele CA343223365.

ClinVar aggregate classification (germline): Uncertain significance. Review status: criteria provided, multiple submitters, no conflicts (2 of 4 stars). 2 submissions from 2 submitters: Uncertain significance (2). Last evaluated 2024-01-01.

Conditions:
Autosomal recessive nonsyndromic hearing loss 4 (DFNB4). Also called: FOXI1-Related Pendred Syndrome; KCNJ10-Related Pendred Syndrome; DEAFNESS, AUTOSOMAL RECESSIVE 4, WITH ENLARGED VESTIBULAR AQUEDUCT, DIGENIC; Deafness, autosomal recessive 4; NEUROSENSORY NONSYNDROMIC RECESSIVE DEAFNESS 4; Deafness, autosomal recessive 4, with enlarged vestibular aqueduct. Identifiers: Orphanet 90636, MedGen C3538946, MONDO:0010933, OMIM 600791.
EAST syndrome (SESAMES). Also called: SEIZURES, SENSORINEURAL DEAFNESS, ATAXIA, IMPAIRED INTELLECTUAL DEVELOPMENT, AND ELECTROLYTE IMBALANCE. Identifiers: Orphanet 199343, MedGen C2748572, MONDO:0013005, OMIM 612780.
Inborn genetic diseases. Identifiers: MedGen C0950123, MeSH D030342.

Submissions (2):

Fulgent Genetics
Classification: Uncertain significance for Autosomal recessive nonsyndromic hearing loss 4; EAST syndrome. Last evaluated: 2024-01-01. Review status: criteria provided, single submitter. Criteria: ACMG Guidelines, 2015. Collection method: clinical testing. Allele origin: germline.

Ambry Genetics
Classification: Uncertain significance for Inborn genetic diseases. Last evaluated: 2017-12-15. Review status: criteria provided, single submitter. Criteria: Ambry Variant Classification Scheme 2023. Collection method: clinical testing. Allele origin: germline.
Comment: The p.S318L variant (also known as c.953C>T), located in coding exon 1 of the KCNJ10 gene, results from a C to T substitution at nucleotide position 953. The serine at codon 318 is replaced by leucine, an amino acid with dissimilar properties. This amino acid position is well conserved in available vertebrate species. In addition, the in silico prediction for this alteration is inconclusive. Since supporting evidence is limited at this time, the clinical significance of this alteration remains unclear.